The following is an entry in ClinVar:

ClinVar aggregate classification (germline): Pathogenic (1 of 4 stars; one submission).

Conditions:
Fabry disease. Also called: ALPHA-GALACTOSIDASE A DEFICIENCY; ANDERSON-FABRY DISEASE; CERAMIDE TRIHEXOSIDASE DEFICIENCY; GLA DEFICIENCY; HEREDITARY DYSTOPIC LIPIDOSIS; Angiokeratoma corporis diffusum. Identifiers: Orphanet 324, MedGen C0002986, MONDO:0010526, OMIM 301500, HP:0001071. Disease mechanism: Fabry disease is due to inactivating mutations in the X-linked GLA gene resulting in deficiency of the enzyme Alpha Galactosidase-A., loss of function.

Submission:

Genomenon, Inc
Classification: Pathogenic for Fabry disease. Last evaluated: 2026-09-08. Review status: criteria provided, single submitter. Criteria: Genomenon Sequence Variant Interpretation Standards - Updated. Collection method: curation. Allele origin: germline. Affected: yes.
Comment: GLA p.Tyr86MetfsTer35 (c.256del) is a frameshift variant that is predicted to introduce a premature termination codon and result in a truncated or absent protein product. This variant has been observed in at least one proband with clinical features consistent with Fabry disease (PMID:30972193;26303609;10666480). Functional or patient cell studies have been reported (PMID:18698230). It is absent or not present at a significant frequency in gnomAD. In conclusion, we classify GLA p.Tyr86MetfsTer35 (c.256del) as a pathogenic variant.

Literature cited by the submitters: PubMed 30972193; PubMed 26303609; PubMed 10666480; PubMed 18698230.

NM_000169.3(GLA):c.256del (p.Tyr86fs)

Genes: GLA (galactosidase alpha; minus strand), RPL36A-HNRNPH2 (RPL36A-HNRNPH2 readthrough; plus strand). Cytogenetic location: Xq22.1.
Variant type: Deletion.
Coding change: c.256del on transcript NM_000169.3 (MANE Select); coding-DNA position 256, one base deleted (T; older notation c.256delT).
Protein change: p.Tyr86fs; shifts the reading frame from tyrosine 86.
Molecular consequence: frameshift variant. On other transcripts: non-coding transcript variant (3), intron variant (2).
Genome position (GRCh38, 1-based): chrX:101,403,924, A deleted on the plus strand (T on the coding strand, the reverse complement: GLA is on the minus strand); the first of 2 consecutive A bases (chrX:101,403,924-101,403,925); deleting either gives the same sequence. VCF-style (leftmost placement, unchanged base first): chrX-101403923-TA-T. GRCh37 (hg19) VCF-style: chrX-100658911-TA-T.
Other names: c.379del, p.Tyr127fs (NM_001406747.1, NM_001406749.1); c.256del, p.Tyr86fs (NM_001406748.1); c.301-8011del (NM_001199973.2); c.178-8011del (NM_001199974.2); short protein forms Y127fs, Y86fs.
Identifiers: ClinVar variation 4086935 (VCV004086935.2).
Genomic context (GRCh38, chrX:101,403,923, plus strand): 5'-AGTCTGCCTTCTGAATCTCTTTGGGGAGCCATCCAACAGTCATCAATGCAGAGGTACTCA[TA>T]ACCTGCATCCTTCCAGCCTTCTGAGACCATGAGCTCTGCCATCTCCATGAAGAGCTTCTC-3'